The following is an entry in ClinVar:

NM_000135.4(FANCA):c.2404dup (p.Asp802fs)

Gene: FANCA (FA complementation group A; minus strand). Cytogenetic location: 16q24.3.
Variant type: Duplication.
Coding change: c.2404dup on transcript NM_000135.4 (MANE Select); coding-DNA position 2404, one base duplicated (G; older notation c.2404dupG).
Protein change: p.Asp802fs; shifts the reading frame from aspartic acid 802.
Molecular consequence: frameshift variant.
Genome position (GRCh38, 1-based): chr16:89,769,937, C duplicated on the plus strand (G on the coding strand, the reverse complement: FANCA is on the minus strand); the first of 2 consecutive C bases (chr16:89,769,937-89,769,938); duplicating either gives the same sequence. VCF-style (leftmost placement, unchanged base first): chr16-89769936-T-TC. GRCh37 (hg19) VCF-style: chr16-89836344-T-TC.
Other names: c.2404dup, p.Asp802fs (NM_001286167.3); short protein forms D802fs.
Identifiers: ClinVar variation 4081680 (VCV004081680.1).
Genomic context (GRCh38, chr16:89,769,936, plus strand): 5'-AGGAGGCTGTCAAAGAGCGCAGGGACAGGAAGGCCAGCACCAGGTGCAGGAGGACCCACA[T>TC]CCACCTCTGGGAGCGCAGACCTGGACTCACCCAGGTGCACGGCCAGGGCAGCCAACCCCA-3'

ClinVar aggregate classification (germline): Pathogenic (1 of 4 stars; one submission).

Conditions:
Fanconi anemia complementation group A (FANCA). Also called: FANCA-Related Fanconi Anemia; Fanconi anemia, group A. Identifiers: Orphanet 84, MedGen C3469521, MONDO:0009215, OMIM 227650.

Submission:

Myriad Genetics, Inc.
Classification: Pathogenic for Fanconi anemia complementation group A. Last evaluated: 2025-06-24. Review status: criteria provided, single submitter. Criteria: Myriad Autosomal Dominant, Autosomal Recessive and X-Linked Classification Criteria (2023). Collection method: clinical testing. Allele origin: unknown.
Comment: NM_000135.2(FANCA):c.2404dupG(D802Gfs*18) is a frameshift variant classified as pathogenic in the context of Fanconi anemia complementation group A. D802Gfs*18 has not been observed in cases with relevant disease. Relevant functional assessments of this variant are not available in the literature. D802Gfs*18 has not been observed in referenced population frequency databases. In summary, NM_000135.2(FANCA):c.2404dupG(D802Gfs*18) is a frameshift variant in a gene where loss of function is a known mechanism of disease and is predicted to disrupt protein function. Please note: this variant was assessed in the context of healthy population screening.